The following is an entry in ClinVar:

NM_178013.4(PRIMA1):c.98_99delinsTA (p.Thr33Ile)

Gene: PRIMA1 (proline rich membrane anchor 1; minus strand). Cytogenetic location: 14q32.12.
Variant type: Indel.
Coding change: c.98_99delinsTA on transcript NM_178013.4 (MANE Select); coding-DNA positions 98 to 99, CG replaced by TA.
Protein change: p.Thr33Ile; replaces threonine 33 with isoleucine.
Molecular consequence: missense variant.
Genome position (GRCh38, 1-based): chr14:93,779,306-93,779,307, CG replaced by TA on the plus strand (CG replaced by TA on the coding strand, the reverse complement: PRIMA1 is on the minus strand). VCF-style: chr14-93779306-CG-TA. GRCh37 (hg19) VCF-style: chr14-94245652-CG-TA.
Other names: short protein forms T33I.
Identifiers: ClinVar variation 1347960 (VCV001347960.4), dbSNP rs2141193915, ClinGen allele CA2573150286.

ClinVar aggregate classification (germline): Uncertain significance (1 of 4 stars; one submission).

Conditions:
Familial sleep-related hypermotor epilepsy. Also called: Autosomal Dominant Sleep-Related Hypermotor (Hyperkinetic) Epilepsy. Identifiers: Orphanet 98784, MedGen C3696898, MONDO:0000030.

Submission:

Labcorp Genetics (formerly Invitae), Labcorp
Classification: Uncertain significance for Familial sleep-related hypermotor epilepsy. Last evaluated: 2020-12-30. Review status: criteria provided, single submitter. Criteria: Invitae Variant Classification Sherloc (09022015). Collection method: clinical testing. Allele origin: germline.
Comment: In summary, the available evidence is currently insufficient to determine the role of this variant in disease. Therefore, it has been classified as a Variant of Uncertain Significance. Algorithms developed to predict the effect of missense changes on protein structure and function are either unavailable or do not agree on the potential impact of this missense change (SIFT: "Not Available"; PolyPhen-2: "Benign"; Align-GVGD: "Not Available"). This variant has not been reported in the literature in individuals with PRIMA1-related conditions. The frequency data for this variant in the population databases is not available, as this variant may be reported as separate entries in the ExAC database. This sequence change replaces threonine with isoleucine at codon 33 of the PRIMA1 protein (p.Thr33Ile). The threonine residue is highly conserved and there is a moderate physicochemical difference between threonine and isoleucine.